The following is an entry in ClinVar:

ClinVar aggregate classification (germline): Uncertain significance. Review status: criteria provided, multiple submitters, no conflicts (2 of 4 stars). 2 submissions from 2 submitters: Uncertain significance (2). Last evaluated 2023-04-20.

Conditions:
Inborn genetic diseases. Identifiers: MedGen C0950123, MeSH D030342.

Allele frequency attached by ClinVar (database versions not stated): gnomAD exomes below 0.00001; ExAC 0.00001.

Submissions (2):

Ambry Genetics
Classification: Uncertain significance for Inborn genetic diseases. Last evaluated: 2023-04-20. Review status: criteria provided, single submitter. Criteria: Ambry Variant Classification Scheme 2023. Collection method: clinical testing. Allele origin: germline.

Labcorp Genetics (formerly Invitae), Labcorp
Classification: Uncertain significance. Last evaluated: 2021-09-21. Review status: criteria provided, single submitter. Criteria: Invitae Variant Classification Sherloc (09022015). Collection method: clinical testing. Allele origin: germline.
Comment: This sequence change replaces histidine with arginine at codon 474 of the ERCC2 protein (p.His474Arg). The histidine residue is weakly conserved and there is a small physicochemical difference between histidine and arginine. This variant is present in population databases (rs746461660, ExAC 0.002%). This variant has not been reported in the literature in individuals affected with ERCC2-related conditions. Algorithms developed to predict the effect of missense changes on protein structure and function (SIFT, PolyPhen-2, Align-GVGD) all suggest that this variant is likely to be tolerated. In summary, the available evidence is currently insufficient to determine the role of this variant in disease. Therefore, it has been classified as a Variant of Uncertain Significance.

NM_000400.4(ERCC2):c.1421A>G (p.His474Arg)

Gene: ERCC2 (ERCC excision repair 2, TFIIH core complex helicase subunit; minus strand). Cytogenetic location: 19q13.32.
Variant type: single nucleotide variant.
Coding change: c.1421A>G on transcript NM_000400.4 (MANE Select); coding-DNA position 1421, A replaced by G.
Protein change: p.His474Arg; replaces histidine 474 with arginine.
Molecular consequence: missense variant.
Genome position (GRCh38, 1-based): chr19:45,357,328, T>C on the plus strand (A>G on the coding strand, the complement: ERCC2 is on the minus strand). VCF-style: chr19-45357328-T-C. GRCh37 (hg19) VCF-style: chr19-45860586-T-C.
Other names: c.1421A>G (NM_000400.3); short protein forms H474R.
Identifiers: ClinVar variation 1484065 (VCV001484065.7), dbSNP rs746461660, ClinGen allele CA9513299.